The following is an entry in ClinVar:

ClinVar aggregate classification (germline): Uncertain significance. Review status: criteria provided, multiple submitters, no conflicts (2 of 4 stars). 2 submissions from 2 submitters: Uncertain significance (2). Last evaluated 2025-02-21.

Conditions:
Inborn genetic diseases. Identifiers: MedGen C0950123, MeSH D030342.
Malignant hyperthermia, susceptibility to, 5 (MHS5). Also called: CACNA1S-Related Malignant Hyperthermia Susceptibility. Identifiers: Orphanet 423, MedGen C1866077, MONDO:0011163, OMIM 601887.
Hypokalemic periodic paralysis, type 1. Also called: Hypokalemic Periodic Paralysis Type 1 (AD); HypoPP. Identifiers: Orphanet 681, MedGen C3714580, MONDO:0042979, OMIM 170400.

Allele frequency attached by ClinVar (database versions not stated): gnomAD exomes below 0.00001; TOPMed below 0.00001; gnomAD 0.00001.
gnomAD v4.1: 3 of 1,614,084 alleles (0.00019%); no homozygotes.

Submissions (2):

Ambry Genetics
Classification: Uncertain significance for Inborn genetic diseases. Last evaluated: 2025-02-21. Review status: criteria provided, single submitter. Criteria: Ambry Variant Classification Scheme 2023. Collection method: clinical testing. Allele origin: germline.

Labcorp Genetics (formerly Invitae), Labcorp
Classification: Uncertain significance for Hypokalemic periodic paralysis, type 1; Malignant hyperthermia, susceptibility to, 5. Last evaluated: 2022-02-25. Review status: criteria provided, single submitter. Criteria: Invitae Variant Classification Sherloc (09022015). Collection method: clinical testing. Allele origin: germline.
Comment: Advanced modeling of protein sequence and biophysical properties (such as structural, functional, and spatial information, amino acid conservation, physicochemical variation, residue mobility, and thermodynamic stability) performed at Invitae indicates that this missense variant is not expected to disrupt CACNA1S protein function. In summary, the available evidence is currently insufficient to determine the role of this variant in disease. Therefore, it has been classified as a Variant of Uncertain Significance. This sequence change replaces tryptophan, which is neutral and slightly polar, with arginine, which is basic and polar, at codon 414 of the CACNA1S protein (p.Trp414Arg). This variant is present in population databases (no rsID available, gnomAD 0.008%). This variant has not been reported in the literature in individuals affected with CACNA1S-related conditions.

NM_000069.3(CACNA1S):c.1240T>C (p.Trp414Arg)

Gene: CACNA1S (calcium voltage-gated channel subunit alpha1 S; minus strand). Cytogenetic location: 1q32.1.
Variant type: single nucleotide variant.
Coding change: c.1240T>C on transcript NM_000069.3 (MANE Select); coding-DNA position 1240, T replaced by C.
Protein change: p.Trp414Arg; replaces tryptophan 414 with arginine.
Molecular consequence: missense variant.
Genome position (GRCh38, 1-based): chr1:201,083,315, A>G on the plus strand (T>C on the coding strand, the complement: CACNA1S is on the minus strand). VCF-style: chr1-201083315-A-G. GRCh37 (hg19) VCF-style: chr1-201052443-A-G.
Other names: c.1240T>C (NM_000069.2); short protein forms W414R.
Identifiers: ClinVar variation 2179010 (VCV002179010.5), dbSNP rs1401340041, ClinGen allele CA344126250.